The following is an entry in ClinVar:

NM_000503.6(EYA1):c.1468C>G (p.His490Asp)

Gene: EYA1 (EYA transcriptional coactivator and phosphatase 1; minus strand). Cytogenetic location: 8q13.3.
Variant type: single nucleotide variant.
Coding change: c.1468C>G on transcript NM_000503.6 (MANE Select); coding-DNA position 1468, C replaced by G.
Protein change: p.His490Asp; replaces histidine 490 with aspartic acid.
Molecular consequence: missense variant.
Genome position (GRCh38, 1-based): chr8:71,215,621, G>C on the plus strand (C>G on the coding strand, the complement: EYA1 is on the minus strand). VCF-style: chr8-71215621-G-C. GRCh37 (hg19) VCF-style: chr8-72127856-G-C.
Other names: c.1450C>G, p.His484Asp (NM_001288574.2, NM_172059.5); c.1102C>G, p.His368Asp (NM_001288575.2); c.1555C>G, p.His519Asp (NM_001370333.1); c.1468C>G, p.His490Asp (NM_001370334.1, NM_001370335.1, NM_172058.4); c.1447C>G, p.His483Asp (NM_001370336.1); short protein forms H368D, H483D, H484D, H490D, H519D.
Identifiers: ClinVar variation 1314252 (VCV001314252.6), dbSNP rs748575456, ClinGen allele CA371466332.

ClinVar aggregate classification (germline): Uncertain significance. Review status: criteria provided, multiple submitters, no conflicts (2 of 4 stars). 2 submissions from 2 submitters: Uncertain significance (2). Last evaluated 2022-03-29.

Conditions:
Melnick-Fraser syndrome (BOR). Also called: Branchio-oto-renal syndrome; Branchiootorenal Syndrome (BORS); Branchiootorenal syndrome. Identifiers: Orphanet 107, MedGen C0265234, MONDO:0007029.

Allele frequency attached by ClinVar (database versions not stated): gnomAD exomes 0.00001.
gnomAD v4.1: 14 of 1,613,842 alleles (0.00087%); highest among the groups gnomAD compares: Non-Finnish European, 0.0012%; no homozygotes.

Submissions (2):

Labcorp Genetics (formerly Invitae), Labcorp
Classification: Uncertain significance for Melnick-Fraser syndrome. Last evaluated: 2022-03-29. Review status: criteria provided, single submitter. Criteria: Invitae Variant Classification Sherloc (09022015). Collection method: clinical testing. Allele origin: germline.
Comment: This variant has not been reported in the literature in individuals affected with EYA1-related conditions. In summary, the available evidence is currently insufficient to determine the role of this variant in disease. Therefore, it has been classified as a Variant of Uncertain Significance. Algorithms developed to predict the effect of missense changes on protein structure and function (SIFT, PolyPhen-2, Align-GVGD) all suggest that this variant is likely to be tolerated. ClinVar contains an entry for this variant (Variation ID: 1314252). This variant is not present in population databases (gnomAD no frequency). This sequence change replaces histidine, which is basic and polar, with aspartic acid, which is acidic and polar, at codon 490 of the EYA1 protein (p.His490Asp).

GeneDx
Classification: Uncertain significance. Last evaluated: 2021-03-31. Review status: criteria provided, single submitter. Criteria: GeneDx Variant Classification Process June 2021. Collection method: clinical testing. Allele origin: germline. Affected: yes.
Comment: Not observed in large population cohorts (Lek et al., 2016); In silico analysis supports that this missense variant does not alter protein structure/function; Has not been previously published as pathogenic or benign to our knowledge